The following is an entry in ClinVar:

NM_000219.6(KCNE1):c.381T>C (p.Pro127=)

Gene: KCNE1 (potassium voltage-gated channel subfamily E regulatory subunit 1; minus strand). Cytogenetic location: 21q22.12.
Variant type: single nucleotide variant.
Coding change: c.381T>C on transcript NM_000219.6 (MANE Select); coding-DNA position 381, T replaced by C.
Protein change: p.Pro127=; no amino-acid change (proline 127 retained).
Molecular consequence: synonymous variant.
Genome position (GRCh38, 1-based): chr21:34,449,254, A>G on the plus strand (T>C on the coding strand, the complement: KCNE1 is on the minus strand). VCF-style: chr21-34449254-A-G. GRCh37 (hg19) VCF-style: chr21-35821552-A-G.
Other names: c.381T>C, p.Pro127= (NM_001127668.4, NM_001127669.4, NM_001127670.4 and 4 more transcripts).
Identifiers: ClinVar variation 3373870 (VCV003373870.2).

Conditions:
Long QT syndrome 5 (LQT5). Identifiers: Orphanet 101016, Orphanet 768, MedGen C1867904, MONDO:0013372, OMIM 613695.

Submission:

Roden Lab, Vanderbilt University Medical Center
No classification provided (evidence only). Condition: Long QT syndrome 5. Review status: no classification provided. Collection method: in vitro. Allele origin: not applicable. Functional consequence: Effect on ion channel function.
ClinVar note: "not provided" was previously submitted as the classification for the variant. However, the classification appeared to be based only on an observation of functional data so it was converted to no classification on 2025-07-30.